The following is an entry in ClinVar:

NM_152383.5(DIS3L2):c.2030C>T (p.Ser677Leu)

Gene: DIS3L2 (DIS3 like 3'-5' exoribonuclease 2; plus strand). Cytogenetic location: 2q37.1.
Variant type: single nucleotide variant.
Coding change: c.2030C>T on transcript NM_152383.5 (MANE Select); coding-DNA position 2030, C replaced by T.
Protein change: p.Ser677Leu; replaces serine 677 with leucine.
Molecular consequence: missense variant. On other transcripts: non-coding transcript variant (2), intron variant (1).
Genome position (GRCh38, 1-based): chr2:232,333,859, C>T. VCF-style: chr2-232333859-C-T. GRCh37 (hg19) VCF-style: chr2-233198569-C-T.
Other names: c.1582-9486C>T (NM_001257281.2); short protein forms S677L.
Identifiers: ClinVar variation 463089 (VCV000463089.12), dbSNP rs753558985, ClinGen allele CA2164377.
Genomic context (GRCh38, chr2:232,333,859, plus strand): 5'-AGCTCTGGGCTTGTCAGGCTCTGACCCATCCCGTCCCGCAGATGGCACTGTACTTCTGCT[C>T]GGGGCTGCTGCAGGACCCAGCGCAGTTCCGGCACTACGCGCTCAATGTGCCCCTGTACAC-3'
Protein context (NP_689596.4, residues 667-687): RPMQMALYFC[Ser677Leu]GLLQDPAQFR

ClinVar aggregate classification (germline): Uncertain significance. Review status: criteria provided, multiple submitters, no conflicts (2 of 4 stars). 2 submissions from 2 submitters: Uncertain significance (2). Last evaluated 2025-01-18.

Conditions:
Inborn genetic diseases. Identifiers: MedGen C0950123, MeSH D030342.
Perlman syndrome (PRLMNS). Identifiers: Orphanet 2849, MedGen C0796113, MONDO:0009965, OMIM 267000.

Allele frequency attached by ClinVar (database versions not stated): gnomAD exomes 0.00001 and 0.00002; ExAC 0.00003; gnomAD 0.00003 and 0.00004; TOPMed 0.00005.
gnomAD v4.1: 25 of 1,612,000 alleles (0.0016%); highest among the groups gnomAD compares: African/African-American, 0.008%; no homozygotes.

Submissions (2):

Ambry Genetics
Classification: Uncertain significance for Inborn genetic diseases. Last evaluated: 2025-01-18. Review status: criteria provided, single submitter. Criteria: Ambry Variant Classification Scheme 2023. Collection method: clinical testing. Allele origin: germline.

Labcorp Genetics (formerly Invitae), Labcorp
Classification: Uncertain significance for Perlman syndrome. Last evaluated: 2024-07-23. Review status: criteria provided, single submitter. Criteria: Invitae Variant Classification Sherloc (09022015). Collection method: clinical testing. Allele origin: germline.
Comment: This sequence change replaces serine, which is neutral and polar, with leucine, which is neutral and non-polar, at codon 677 of the DIS3L2 protein (p.Ser677Leu). This variant is present in population databases (rs753558985, gnomAD 0.01%). This variant has not been reported in the literature in individuals affected with DIS3L2-related conditions. ClinVar contains an entry for this variant (Variation ID: 463089). An algorithm developed to predict the effect of missense changes on protein structure and function (PolyPhen-2) suggests that this variant is likely to be tolerated. In summary, the available evidence is currently insufficient to determine the role of this variant in disease. Therefore, it has been classified as a Variant of Uncertain Significance.